The following is an entry in ClinVar:

NM_007294.4(BRCA1):c.1505T>G (p.Leu502Ter)

Gene: BRCA1 (BRCA1 DNA repair associated; minus strand). Cytogenetic location: 17q21.31.
Variant type: single nucleotide variant.
Coding change: c.1505T>G on transcript NM_007294.4 (MANE Select); coding-DNA position 1505, T replaced by G.
Protein change: p.Leu502Ter; replaces leucine 502 with a stop codon.
Molecular consequence: nonsense. On other transcripts: intron variant (137).
Genome position (GRCh38, 1-based): chr17:43,094,026, A>C on the plus strand (T>G on the coding strand, the complement: BRCA1 is on the minus strand). VCF-style: chr17-43094026-A-C. GRCh37 (hg19) VCF-style: chr17-41246043-A-C.
Other names: 1624T>G; c.1364T>G, p.Leu455Ter (NM_007297.4, NM_001407692.1, NM_001407694.1 and 29 more transcripts); c.1505T>G, p.Leu502Ter (NM_007300.4, NM_001407581.1, NM_001407582.1 and 30 more transcripts); c.646+718T>G (NM_001408458.1, NM_001408469.1, NM_001408453.1 and 11 more transcripts); c.283+718T>G (NM_001408512.1); c.406+718T>G (NM_001408510.1); c.643+718T>G (NM_001408470.1, NM_001408464.1, NM_001408468.1 and 3 more transcripts); c.784+718T>G (NM_001408397.1, NM_001408401.1, NM_001408396.1 and 13 more transcripts); and 41 more; short protein forms L502*, L455*, L334*, L390*, L434*, L454*, L460*, L501*.
Identifiers: ClinVar variation 266172 (VCV000266172.8), dbSNP rs886039957, ClinGen allele CA10589935.

ClinVar aggregate classification (germline): Pathogenic. Review status: reviewed by expert panel (3 of 4 stars). 3 submissions from 3 submitters: Pathogenic (1). 2 of the submissions do not count toward it. Last evaluated 2016-10-18.

Conditions:
Hereditary cancer-predisposing syndrome. Also called: Hereditary Cancer Syndrome; Neoplastic Syndromes, Hereditary; Hereditary neoplastic syndrome; Tumor predisposition. Identifiers: Orphanet 140162, MedGen C0027672, MeSH D009386, MONDO:0015356.
Breast-ovarian cancer, familial, susceptibility to, 1 (BROVCA1). Also called: BRCA1 Hereditary Breast and Ovarian Cancer; OVARIAN CANCER, SUSCEPTIBILITY TO. Identifiers: Orphanet 145, MedGen C2676676, MONDO:0011450, OMIM 604370. Disease mechanism: loss of function.

Submissions (3):

Evidence-based Network for the Interpretation of Germline Mutant Alleles (ENIGMA)
Classification: Pathogenic for Breast-ovarian cancer, familial, susceptibility to, 1. Last evaluated: 2016-10-18. Review status: reviewed by expert panel. Criteria: ENIGMA BRCA1/2 Classification Criteria (2015). Collection method: curation. Allele origin: germline.
Comment: Variant allele predicted to encode a truncated non-functional protein.

Ambry Genetics
Classification: Pathogenic for Hereditary cancer-predisposing syndrome. Last evaluated: 2024-05-16. Review status: criteria provided, single submitter. Criteria: Ambry Variant Classification Scheme 2023. Collection method: clinical testing. Allele origin: germline. Not counted in ClinVar's aggregate classification.
Comment: The p.L502* pathogenic mutation (also known as c.1505T>G), located in coding exon 9 of the BRCA1 gene, results from a T to G substitution at nucleotide position 1505. This changes the amino acid from a leucine to a stop codon within coding exon 9. This variant was reported in at least one individual with features consistent with BRCA1-related hereditary breast and ovarian cancer syndrome (Konstantopoulou I et al. Clin Genet, 2014 Jan;85:36-42; Shao D et al. Cancer Sci, 2020 Feb;111:647-657; Stavropoulou AV et al. PLoS One, 2013 Mar;8:e58182). This variant is considered to be rare based on population cohorts in the Genome Aggregation Database (gnomAD). In addition to the clinical data presented in the literature, this alteration is expected to result in loss of function by premature protein truncation or nonsense-mediated mRNA decay. As such, this alteration is interpreted as a disease-causing mutation.

Consortium of Investigators of Modifiers of BRCA1/2 (CIMBA), c/o University of Cambridge
Classification: Pathogenic for Breast-ovarian cancer, familial, susceptibility to, 1. Last evaluated: 2015-10-02. Review status: criteria provided, single submitter. Criteria: CIMBA Mutation Classification guidelines May 2016. Collection method: clinical testing. Allele origin: germline. Not counted in ClinVar's aggregate classification.

Literature cited by the submitters: PubMed 23536787 (cited by Ambry Genetics); PubMed 24010542 (cited by Ambry Genetics); PubMed 31742824 (cited by Ambry Genetics).